The following is an entry in ClinVar:

ClinVar aggregate classification (germline): Likely pathogenic (1 of 4 stars; one submission).

Submission:

GeneDx
Classification: Likely pathogenic. Last evaluated: 2024-07-06. Review status: criteria provided, single submitter. Criteria: GeneDx Variant Classification Process June 2021. Collection method: clinical testing. Allele origin: germline. Affected: yes.
Comment: Nonsense variant predicted to result in protein truncation or nonsense mediated decay in a gene for which loss of function is a known mechanism of disease; Not observed at significant frequency in large population cohorts (gnomAD); Has not been previously published as pathogenic or benign to our knowledge

NM_001371279.1(REEP1):c.264C>G (p.Tyr88Ter)

Gene: REEP1 (receptor accessory protein 1; minus strand). Cytogenetic location: 2p11.2.
Variant type: single nucleotide variant.
Coding change: c.264C>G on transcript NM_001371279.1 (MANE Select); coding-DNA position 264, C replaced by G.
Protein change: p.Tyr88Ter; replaces tyrosine 88 with a stop codon.
Molecular consequence: nonsense. On other transcripts: intron variant (1).
Genome position (GRCh38, 1-based): chr2:86,254,733, G>C on the plus strand (C>G on the coding strand, the complement: REEP1 is on the minus strand). VCF-style: chr2-86254733-G-C. GRCh37 (hg19) VCF-style: chr2-86481856-G-C.
Other names: c.285C>G, p.Tyr95Ter (NM_001164730.2); c.183C>G, p.Tyr61Ter (NM_001164731.2); c.264C>G, p.Tyr88Ter (NM_001371280.1, NM_022912.3); c.182+9232C>G (NM_001164732.2); short protein forms Y88*, Y95*, Y61*.
Identifiers: ClinVar variation 245981 (VCV000245981.3), dbSNP rs879254031, ClinGen allele CA10584227.